The following is an entry in ClinVar:

ClinVar aggregate classification (germline): Conflicting classifications of pathogenicity. Review status: criteria provided, conflicting classifications (1 of 4 stars). 6 submissions from 6 submitters: Likely pathogenic (1); Uncertain significance (5). Last evaluated 2026-01-12.

Conditions:
Congenital sideroblastic anemia-B-cell immunodeficiency-periodic fever-developmental delay syndrome. Also called: Sideroblastic anemia with B-cell immunodeficiency, periodic fevers, and developmental delay. Identifiers: Orphanet 369861, MedGen C4015172, MONDO:0014487, OMIM 616084.
Retinitis pigmentosa and erythrocytic microcytosis (RPEM). Identifiers: MedGen C4310776, MONDO:0014850, OMIM 616959.
Inborn genetic diseases. Identifiers: MedGen C0950123, MeSH D030342.

Allele frequency attached by ClinVar (database versions not stated): gnomAD exomes 0.00008 and 0.00022; ExAC 0.00009; ESP Exome Variant Server 0.00015; TOPMed 0.00015; gnomAD 0.00019 and 0.00020.
gnomAD v4.1: 342 of 1,614,062 alleles (0.021%); highest among the groups gnomAD compares: Non-Finnish European, 0.028%; no homozygotes.

Submissions (6):

Labcorp Genetics (formerly Invitae), Labcorp
Classification: Likely pathogenic for Congenital sideroblastic anemia-B-cell immunodeficiency-periodic fever-developmental delay syndrome. Last evaluated: 2026-01-12. Review status: criteria provided, single submitter. Criteria: Invitae Variant Classification Sherloc (09022015). Collection method: clinical testing. Allele origin: germline.
Comment: This sequence change replaces aspartic acid, which is acidic and polar, with glycine, which is neutral and non-polar, at codon 128 of the TRNT1 protein (p.Asp128Gly). This variant is present in population databases (rs148398677, gnomAD 0.02%). This missense change has been observed in individual(s) with sideroblastic anemia with B-cell immunodeficiency, periodic fevers, and developmental delay (PMID: 29358286, 33493307). ClinVar contains an entry for this variant (Variation ID: 863968). Invitae Evidence Modeling of protein sequence and biophysical properties (such as structural, functional, and spatial information, amino acid conservation, physicochemical variation, residue mobility, and thermodynamic stability) indicates that this missense variant is expected to disrupt TRNT1 protein function with a positive predictive value of 80%. In summary, the currently available evidence indicates that the variant is pathogenic, but additional data are needed to prove that conclusively. Therefore, this variant has been classified as Likely Pathogenic.

GeneDx
Classification: Uncertain significance. Last evaluated: 2024-06-10. Review status: criteria provided, single submitter. Criteria: GeneDx Variant Classification Process June 2021. Collection method: clinical testing. Allele origin: germline.
Comment: In vitro functional study of fibroblasts with D128G and a second TRNT1 variant from a patient with hypotonia, ptosis, ophthalmoplegia, and dysarthria demonstrated normal levels of TRNT1 expression by immunoblot analysis with almost normal mitochondrial translation (PMID: 25652405); In silico analysis supports that this missense variant has a deleterious effect on protein structure/function; This variant is associated with the following publications: (PMID: 26494905, 34510712, 29358286, 33493307, 25652405, 36729249, 36937953)

Blueprint Genetics
Classification: Uncertain significance. Last evaluated: 2023-12-08. Review status: criteria provided, single submitter. Criteria: ACMG Guidelines, 2015. Collection method: clinical testing. Allele origin: germline.

Ambry Genetics
Classification: Uncertain significance for Inborn genetic diseases. Last evaluated: 2022-05-02. Review status: criteria provided, single submitter. Criteria: Ambry Variant Classification Scheme 2023. Collection method: clinical testing. Allele origin: germline.

Fulgent Genetics
Classification: Uncertain significance for Congenital sideroblastic anemia-B-cell immunodeficiency-periodic fever-developmental delay syndrome; Retinitis pigmentosa and erythrocytic microcytosis. Last evaluated: 2021-10-27. Review status: criteria provided, single submitter. Criteria: ACMG Guidelines, 2015. Collection method: clinical testing. Allele origin: unknown.

Department of Pathology and Laboratory Medicine, Sinai Health System
Classification: Uncertain significance for Congenital sideroblastic anemia-B-cell immunodeficiency-periodic fever-developmental delay syndrome; Retinitis pigmentosa and erythrocytic microcytosis. Last evaluated: 2021-07-30. Review status: criteria provided, single submitter. Criteria: ACMG Guidelines, 2015. Collection method: research. Allele origin: germline.

Literature cited by the submitters: PubMed 29358286 (cited by Labcorp Genetics (formerly Invitae), Labcorp and Ambry Genetics); PubMed 33493307 (cited by Labcorp Genetics (formerly Invitae), Labcorp); PubMed 25652405 (cited by Ambry Genetics).

NM_182916.3(TRNT1):c.383A>G (p.Asp128Gly)

Gene: TRNT1 (tRNA nucleotidyl transferase 1; plus strand). Cytogenetic location: 3p26.2.
Variant type: single nucleotide variant.
Coding change: c.383A>G on transcript NM_182916.3 (MANE Select); coding-DNA position 383, A replaced by G.
Protein change: p.Asp128Gly; replaces aspartic acid 128 with glycine.
Molecular consequence: missense variant. On other transcripts: non-coding transcript variant (6).
Genome position (GRCh38, 1-based): chr3:3,140,550, A>G. VCF-style: chr3-3140550-A-G. GRCh37 (hg19) VCF-style: chr3-3182234-A-G.
Other names: c.383A>G, p.Asp128Gly (NM_001302946.2, NM_001367321.1, NM_001367322.1 and 1 more transcripts); short protein forms D128G.
Identifiers: ClinVar variation 863968 (VCV000863968.11), dbSNP rs148398677, ClinGen allele CA2228635.